The following is an entry in ClinVar:

ClinVar aggregate classification (germline): Uncertain significance (1 of 4 stars; one submission).

gnomAD v4.1: 4 of 1,605,280 alleles (0.00025%); highest among the groups gnomAD compares: Non-Finnish European, 0.00017%; no homozygotes.

Submission:

Labcorp Genetics (formerly Invitae), Labcorp
Classification: Uncertain significance. Last evaluated: 2022-05-19. Review status: criteria provided, single submitter. Criteria: Invitae Variant Classification Sherloc (09022015). Collection method: clinical testing. Allele origin: germline.
Comment: This sequence change replaces proline, which is neutral and non-polar, with leucine, which is neutral and non-polar, at codon 277 of the CYB5R3 protein (p.Pro277Leu). In summary, the available evidence is currently insufficient to determine the role of this variant in disease. Therefore, it has been classified as a Variant of Uncertain Significance. Algorithms developed to predict the effect of missense changes on protein structure and function (SIFT, PolyPhen-2, Align-GVGD) all suggest that this variant is likely to be disruptive. This variant has not been reported in the literature in individuals affected with CYB5R3-related conditions. This variant is not present in population databases (gnomAD no frequency).

NM_000398.7(CYB5R3):c.830C>T (p.Pro277Leu)

Gene: CYB5R3 (cytochrome b5 reductase 3; minus strand). Cytogenetic location: 22q13.2.
Variant type: single nucleotide variant.
Coding change: c.830C>T on transcript NM_000398.7 (MANE Select); coding-DNA position 830, C replaced by T.
Protein change: p.Pro277Leu; replaces proline 277 with leucine.
Molecular consequence: missense variant.
Genome position (GRCh38, 1-based): chr22:42,619,849, G>A on the plus strand (C>T on the coding strand, the complement: CYB5R3 is on the minus strand). VCF-style: chr22-42619849-G-A. GRCh37 (hg19) VCF-style: chr22-43015855-G-A.
Other names: c.830C>T, p.Pro277Leu (NM_001031678.1); c.761C>T, p.Pro254Leu (NM_001129819.2, NM_001171661.1, NM_007326.4); c.929C>T, p.Pro310Leu (NM_001171660.2); short protein forms P310L, P254L, P277L.
Identifiers: ClinVar variation 1939142 (VCV001939142.5), dbSNP rs752824154, ClinGen allele CA10269569.